The following is an entry in ClinVar:

ClinVar aggregate classification (germline): Conflicting classifications of pathogenicity. Review status: criteria provided, conflicting classifications (1 of 4 stars). 3 submissions from 3 submitters: Likely pathogenic (1); Uncertain significance (1). 1 of the submissions does not count toward it. Last evaluated 2022-10-17.

Conditions:
CAMSAP1-related neuronal migration disorder.
Cortical dysplasia, complex, with other brain malformations 12 (CDCBM12). Identifiers: MedGen C5830407, MONDO:0957217, OMIM 620316.

Submissions (3):

GeneDx
Classification: Uncertain significance. Last evaluated: 2022-10-17. Review status: criteria provided, single submitter. Criteria: GeneDx Variant Classification Process June 2021. Collection method: clinical testing. Allele origin: germline. Affected: yes.
Comment: Not observed in large population cohorts (gnomAD); Nonsense variant predicted to result in protein truncation or nonsense mediated decay in a gene for which loss-of-function is not a known mechanism of disease; Has not been previously published as pathogenic or benign to our knowledge; Variants in candidate genes are classified as variants of uncertain significance in accordance with ACMG guidelines (Richards et al., 2015)

Rare Disease Group, University of Exeter
Classification: Likely pathogenic for CAMSAP1-related neuronal migration disorder. Last evaluated: 2022-09-15. Review status: criteria provided, single submitter. Criteria: ACMG Guidelines, 2015. Collection method: research. Allele origin: inherited. Inheritance: Autosomal recessive inheritance. Affected: yes. Observed: 1 variant allele.

OMIM
Classification: Pathogenic for CORTICAL DYSPLASIA, COMPLEX, WITH OTHER BRAIN MALFORMATIONS 12. Last evaluated: 2023-04-07. Review status: no assertion criteria provided. Collection method: literature only. Allele origin: germline. Not counted in ClinVar's aggregate classification.

Literature cited by the submitters: PubMed 36283405 (cited by OMIM).

NM_015447.4(CAMSAP1):c.2638C>T (p.Gln880Ter)

Gene: CAMSAP1 (calmodulin regulated spectrin associated protein 1; minus strand). Cytogenetic location: 9q34.3.
Variant type: single nucleotide variant.
Coding change: c.2638C>T on transcript NM_015447.4 (MANE Select); coding-DNA position 2638, C replaced by T.
Protein change: p.Gln880Ter; replaces glutamine 880 with a stop codon.
Molecular consequence: nonsense.
Genome position (GRCh38, 1-based): chr9:135,822,023, G>A on the plus strand (C>T on the coding strand, the complement: CAMSAP1 is on the minus strand). VCF-style: chr9-135822023-G-A. GRCh37 (hg19) VCF-style: chr9-138713869-G-A.
Other names: c.1804C>T, p.Gln602Ter (NM_001411031.1); c.2638C>T (NM_015447.3); short protein forms Q602*, Q880*.
Identifiers: ClinVar variation 1706469 (VCV001706469.4), dbSNP rs2491263069, ClinGen allele CA375508330.
Genomic context (GRCh38, chr9:135,822,023, plus strand): 5'-CCATCTTCTTCTTCTGGGCCTCGATGGCCCTGCGCTTCTCCTCCAGCTGCATGTGCAGCT[G>A]TACCAGCTCAGATGCCAGGAGGCTGGCGGGATCCTTGCCATGCTGGCTCGGACTCTGCTC-3'